The following is an entry in ClinVar:

ClinVar aggregate classification (germline): Pathogenic (1 of 4 stars; one submission).

Conditions:
Hereditary breast ovarian cancer syndrome. Also called: Breast and ovarian cancer; Hereditary breast and ovarian cancer; Hereditary breast and ovarian cancer syndrome; Hereditary breast and ovarian cancer syndrome (HBOC); BRCA1- and BRCA2-Associated Hereditary Breast and Ovarian Cancer; Hereditary breast and/or ovarian cancer syndrome. Identifiers: Orphanet 145, MedGen C0677776, MeSH D061325, MONDO:0003582. Disease mechanism: loss of function.

Submission:

Women's Health and Genetics/Laboratory Corporation of America, LabCorp
Classification: Pathogenic for Hereditary breast and ovarian cancer syndrome. Last evaluated: 2020-07-26. Review status: criteria provided, single submitter. Criteria: LabCorp Variant Classification Summary - May 2015. Collection method: clinical testing. Allele origin: germline.
Comment: Variant summary: BRCA1 c.1959_1960delinsG (p.Lys654SerfsX47) results in a premature termination codon, predicted to cause a truncation of the encoded protein or absence of the protein due to nonsense mediated decay, which are commonly known mechanisms for disease. Truncations downstream of this position have been classified as pathogenic by our laboratory. The variant was absent in 282518 control chromosomes. To our knowledge, no occurrence of c.1959_1960delinsG in individuals affected with Hereditary Breast And Ovarian Cancer Syndrome and no experimental evidence demonstrating its impact on protein function have been reported. No clinical diagnostic laboratories have submitted clinical-significance assessments for this variant to ClinVar after 2014. However, another variant resulting in the same amino acid change, c.1961delA, is a common pathogneic variant. Based on the evidence outlined above, the variant was classified as pathogenic.

NM_007294.4(BRCA1):c.1959_1960delinsG (p.Lys654fs)

Gene: BRCA1 (BRCA1 DNA repair associated; minus strand). Cytogenetic location: 17q21.31.
Variant type: Indel.
Coding change: c.1959_1960delinsG on transcript NM_007294.4 (MANE Select); coding-DNA positions 1959 to 1960, AA replaced by G.
Protein change: p.Lys654fs; shifts the reading frame from lysine 654.
Molecular consequence: frameshift variant. On other transcripts: intron variant (137).
Genome position (GRCh38, 1-based): chr17:43,093,571-43,093,572, TT replaced by C on the plus strand (AA replaced by G on the coding strand, the reverse complement: BRCA1 is on the minus strand). VCF-style: chr17-43093571-TT-C. GRCh37 (hg19) VCF-style: chr17-41245588-TT-C.
Other names: c.1746_1747delinsG, p.Lys583fs (NM_001407571.1, NM_001407853.1, NM_001407894.1 and 9 more transcripts); c.1959_1960delinsG, p.Lys654fs (NM_001407581.1, NM_001407582.1, NM_001407583.1 and 30 more transcripts); c.1956_1957delinsG, p.Lys653fs (NM_001407587.1, NM_001407590.1, NM_001407591.1 and 22 more transcripts); c.1950_1951delinsG, p.Lys651fs (NM_001407646.1, NM_001407647.1); c.1836_1837delinsG, p.Lys613fs (NM_001407648.1, NM_001407664.1, NM_001407665.1 and 19 more transcripts); c.1833_1834delinsG, p.Lys612fs (NM_001407649.1, NM_001407670.1, NM_001407671.1 and 11 more transcripts); c.1881_1882delinsG, p.Lys628fs (NM_001407653.1, NM_001407654.1, NM_001407655.1 and 4 more transcripts); c.1878_1879delinsG, p.Lys627fs (NM_001407659.1, NM_001407660.1, NM_001407661.1 and 1 more transcripts); and 41 more; short protein forms K607fs, K654fs, K358fs, K486fs, K526fs, K542fs, K584fs, K612fs.
Identifiers: ClinVar variation 974978 (VCV000974978.2), dbSNP rs2053853194, ClinGen allele CA1139664787.